The following is an entry in ClinVar:

ClinVar aggregate classification (germline): Uncertain significance (1 of 4 stars; one submission).

Allele frequency attached by ClinVar (database versions not stated): gnomAD 0.00001 and 0.00002; gnomAD exomes 0.00001; TOPMed 0.00002.
gnomAD v4.1: 13 of 1,549,522 alleles (0.00084%); highest among the groups gnomAD compares: East Asian, 0.017%; no homozygotes.

Submission:

Labcorp Genetics (formerly Invitae), Labcorp
Classification: Uncertain significance. Last evaluated: 2025-11-03. Review status: criteria provided, single submitter. Criteria: Invitae Variant Classification Sherloc (09022015). Collection method: clinical testing. Allele origin: germline.
Comment: This sequence change replaces arginine, which is basic and polar, with cysteine, which is neutral and slightly polar, at codon 817 of the UNC80 protein (p.Arg817Cys). This variant is present in population databases (no rsID available, gnomAD 0.002%). This variant has not been reported in the literature in individuals affected with UNC80-related conditions. ClinVar contains an entry for this variant (Variation ID: 1411452). An algorithm developed to predict the effect of missense changes on protein structure and function (PolyPhen-2) suggests that this variant is likely to be disruptive. Algorithms developed to predict the effect of sequence changes on RNA splicing suggest that this variant may disrupt the consensus splice site. In summary, the available evidence is currently insufficient to determine the role of this variant in disease. Therefore, it has been classified as a Variant of Uncertain Significance.

NM_001371986.1(UNC80):c.2449C>T (p.Arg817Cys)

Gene: UNC80 (unc-80 subunit of NALCN channel complex; plus strand). Cytogenetic location: 2q34.
Variant type: single nucleotide variant.
Coding change: c.2449C>T on transcript NM_001371986.1 (MANE Select); coding-DNA position 2449, C replaced by T.
Protein change: p.Arg817Cys; replaces arginine 817 with cysteine.
Molecular consequence: missense variant.
Genome position (GRCh38, 1-based): chr2:209,826,024, C>T. VCF-style: chr2-209826024-C-T. GRCh37 (hg19) VCF-style: chr2-210690748-C-T.
Other names: c.2449C>T, p.Arg817Cys (NM_032504.2, NM_182587.4); short protein forms R817C.
Identifiers: ClinVar variation 1411452 (VCV001411452.6), dbSNP rs1002766231, ClinGen allele CA64673071.